The following is an entry in ClinVar:

NM_024514.5(CYP2R1):c.733C>T (p.Gln245Ter)

Genes: CYP2R1 (cytochrome P450 family 2 subfamily R member 1; minus strand), PDE3B (phosphodiesterase 3B; plus strand). Cytogenetic location: 11p15.2.
Variant type: single nucleotide variant.
Coding change: c.733C>T on transcript NM_024514.5 (MANE Select); coding-DNA position 733, C replaced by T.
Protein change: p.Gln245Ter; replaces glutamine 245 with a stop codon.
Molecular consequence: nonsense. On other transcripts: non-coding transcript variant (6), intron variant (5).
Genome position (GRCh38, 1-based): chr11:14,880,403, G>A on the plus strand (C>T on the coding strand, the complement: CYP2R1 is on the minus strand). VCF-style: chr11-14880403-G-A. GRCh37 (hg19) VCF-style: chr11-14901949-G-A.
Other names: c.388C>T, p.Gln130Ter (NM_001377214.1, NM_001377215.1, NM_001377216.1 and 5 more transcripts); c.571C>T, p.Gln191Ter (NM_001377217.1); c.589C>T, p.Gln197Ter (NM_001400567.1); c.688C>T, p.Gln230Ter (NM_001400568.1); c.23-960C>T (NM_001400566.1); c.78-44C>T (NM_001400562.1, NM_001400564.1, NM_001400565.1 and 1 more transcripts); short protein forms Q130*, Q197*, Q230*, Q245*, Q191*.
Identifiers: ClinVar variation 2897896 (VCV002897896.3), dbSNP rs2494270607, ClinGen allele CA379748104.
Genomic context (GRCh38, chr11:14,880,403, plus strand): 5'-AAGCTTTTTCAATGAGTCTGGAGAGAAAATCATAGACTACAGCTGCATTTCTAAACAGCT[G>A]TTGATGTTTTCCAAAAGGCAGGATGCCAATCCATGGAAAGGCATTATACAAGAAGACTGA-3'

ClinVar aggregate classification (germline): Pathogenic (1 of 4 stars; one submission).

Submission:

Labcorp Genetics (formerly Invitae), Labcorp
Classification: Pathogenic. Last evaluated: 2023-07-07. Review status: criteria provided, single submitter. Criteria: Invitae Variant Classification Sherloc (09022015). Collection method: clinical testing. Allele origin: germline.
Comment: For these reasons, this variant has been classified as Pathogenic. This variant has not been reported in the literature in individuals affected with CYP2R1-related conditions. This variant is not present in population databases (gnomAD no frequency). This sequence change creates a premature translational stop signal (p.Gln245*) in the CYP2R1 gene. It is expected to result in an absent or disrupted protein product. Loss-of-function variants in CYP2R1 are known to be pathogenic (PMID: 15128933, 22855339, 25942481, 33715104).

Literature cited by the submitters: PubMed 15128933; PubMed 22855339; PubMed 25942481; PubMed 33715104.